The following is an entry in ClinVar:

NM_006922.4(SCN3A):c.1139T>C (p.Met380Thr)

Gene: SCN3A (sodium voltage-gated channel alpha subunit 3; minus strand). Cytogenetic location: 2q24.3.
Variant type: single nucleotide variant.
Coding change: c.1139T>C on transcript NM_006922.4 (MANE Select); coding-DNA position 1139, T replaced by C.
Protein change: p.Met380Thr; replaces methionine 380 with threonine.
Molecular consequence: missense variant.
Genome position (GRCh38, 1-based): chr2:165,155,796, A>G on the plus strand (T>C on the coding strand, the complement: SCN3A is on the minus strand). VCF-style: chr2-165155796-A-G. GRCh37 (hg19) VCF-style: chr2-166012306-A-G.
Other names: c.1139T>C, p.Met380Thr (NM_001081676.2, NM_001081677.2); short protein forms M380T.
Identifiers: ClinVar variation 5008130 (VCV005008130.1).
Genomic context (GRCh38, chr2:165,155,796, plus strand): 5'-GTTATGCATGCTCATTTGGACCTTACCAACTGGTAAAGATTTTCCCAGTAGTCTTGAGTC[A>G]TGAGTCGAAATAGAGACAGGAAAGCCCAGCTAAAGGTGTCAAAGCTTGTGTAGCCATAGT-3'
Protein context (NP_008853.3, residues 370-390): SWAFLSLFRL[Met380Thr]TQDYWENLYQ

ClinVar aggregate classification (germline): Uncertain significance (1 of 4 stars; one submission).

Submission:

GeneDx
Classification: Uncertain significance. Last evaluated: 2026-03-06. Review status: criteria provided, single submitter. Criteria: GeneDx Variant Classification Process June 2021. Collection method: clinical testing. Allele origin: germline.
Comment: Not observed at significant frequency in large population cohorts (gnomAD); In silico analysis supports that this missense variant has a deleterious effect on protein structure/function; Has not been previously published as pathogenic or benign to our knowledge